The following is an entry in ClinVar:

ClinVar aggregate classification (germline): Uncertain significance. Review status: criteria provided, multiple submitters, no conflicts (2 of 4 stars). 2 submissions from 2 submitters: Uncertain significance (2). Last evaluated 2025-06-07.

Conditions:
Inborn genetic diseases. Identifiers: MedGen C0950123, MeSH D030342.
Glycogen storage disease IXb (GSD9B). Also called: GLYCOGENOSIS OF LIVER AND MUSCLE, AUTOSOMAL RECESSIVE; GSD IXb; PHOSPHORYLASE KINASE DEFICIENCY OF LIVER AND MUSCLE, AUTOSOMAL RECESSIVE. Identifiers: Orphanet 79240, MedGen C0543514, MONDO:0009868, OMIM 261750.

Allele frequency attached by ClinVar (database versions not stated): gnomAD exomes below 0.00001 and 0.00001; gnomAD 0.00001; TOPMed 0.00002.
gnomAD v4.1: 8 of 1,613,842 alleles (0.0005%); highest among the groups gnomAD compares: Admixed American, 0.0017%; no homozygotes.

Submissions (2):

Ambry Genetics
Classification: Uncertain significance for Inborn genetic diseases. Last evaluated: 2025-06-07. Review status: criteria provided, single submitter. Criteria: Ambry Variant Classification Scheme 2023. Collection method: clinical testing. Allele origin: germline.

Labcorp Genetics (formerly Invitae), Labcorp
Classification: Uncertain significance for Glycogen storage disease IXb. Last evaluated: 2021-09-02. Review status: criteria provided, single submitter. Criteria: Invitae Variant Classification Sherloc (09022015). Collection method: clinical testing. Allele origin: germline.
Comment: This sequence change replaces proline with serine at codon 904 of the PHKB protein (p.Pro904Ser). The proline residue is highly conserved and there is a moderate physicochemical difference between proline and serine. This variant is not present in population databases (ExAC no frequency). This variant has not been reported in the literature in individuals affected with PHKB-related conditions. Algorithms developed to predict the effect of missense changes on protein structure and function (SIFT, PolyPhen-2, Align-GVGD) all suggest that this variant is likely to be disruptive. In summary, the available evidence is currently insufficient to determine the role of this variant in disease. Therefore, it has been classified as a Variant of Uncertain Significance.

NM_000293.3(PHKB):c.2710C>T (p.Pro904Ser)

Gene: PHKB (phosphorylase kinase regulatory subunit beta; plus strand). Cytogenetic location: 16q12.1.
Variant type: single nucleotide variant.
Coding change: c.2710C>T on transcript NM_000293.3 (MANE Select); coding-DNA position 2710, C replaced by T.
Protein change: p.Pro904Ser; replaces proline 904 with serine.
Molecular consequence: missense variant.
Genome position (GRCh38, 1-based): chr16:47,689,120, C>T. VCF-style: chr16-47689120-C-T. GRCh37 (hg19) VCF-style: chr16-47723031-C-T.
Other names: c.2689C>T, p.Pro897Ser (NM_001031835.3); c.2710C>T, p.Pro904Ser (NM_001363837.1); short protein forms P897S, P904S.
Identifiers: ClinVar variation 641293 (VCV000641293.7), dbSNP rs1400548271, ClinGen allele CA396099890.
Genomic context (GRCh38, chr16:47,689,120, plus strand): 5'-GAGTATGAACTTCAGATCCGTGGCGGAGACAAGCCAGCCTTGGACTTGTATCAGCTGTCA[C>T]CTAGTGAAGTTAAACAGCTTCTGCTGGATATTCTGCAGCCTCAACAGAATGGAAGGTAAT-3'
Protein context (NP_000284.1, residues 894-914): KPALDLYQLS[Pro904Ser]SEVKQLLLDI